The following is an entry in ClinVar:

ClinVar aggregate classification (germline): Uncertain significance (1 of 4 stars; one submission).

gnomAD v4.1: 3 of 1,613,466 alleles (0.00019%); highest among the groups gnomAD compares: East Asian, 0.0022%; no homozygotes.

Submission:

GeneDx
Classification: Uncertain significance. Last evaluated: 2023-11-09. Review status: criteria provided, single submitter. Criteria: GeneDx Variant Classification Process June 2021. Collection method: clinical testing. Allele origin: germline. Affected: yes.
Comment: Not observed at significant frequency in large population cohorts (gnomAD); In silico analysis supports that this missense variant has a deleterious effect on protein structure/function; Has not been previously published as pathogenic or benign to our knowledge

NM_002609.4(PDGFRB):c.2252A>G (p.Tyr751Cys)

Gene: PDGFRB (platelet derived growth factor receptor beta; minus strand). Cytogenetic location: 5q32.
Variant type: single nucleotide variant.
Coding change: c.2252A>G on transcript NM_002609.4 (MANE Select); coding-DNA position 2252, A replaced by G.
Protein change: p.Tyr751Cys; replaces tyrosine 751 with cysteine.
Molecular consequence: missense variant.
Genome position (GRCh38, 1-based): chr5:150,121,972, T>C on the plus strand (A>G on the coding strand, the complement: PDGFRB is on the minus strand). VCF-style: chr5-150121972-T-C. GRCh37 (hg19) VCF-style: chr5-149501535-T-C.
Other names: c.2060A>G, p.Tyr687Cys (NM_001355016.2); c.1769A>G, p.Tyr590Cys (NM_001355017.2); short protein forms Y590C, Y687C, Y751C.
Identifiers: ClinVar variation 3363990 (VCV003363990.1).